The following is an entry in ClinVar:

NM_012330.4(KAT6B):c.6061A>G (p.Met2021Val)

Gene: KAT6B (lysine acetyltransferase 6B; plus strand). Cytogenetic location: 10q22.2.
Variant type: single nucleotide variant.
Coding change: c.6061A>G on transcript NM_012330.4 (MANE Select); coding-DNA position 6061, A replaced by G.
Protein change: p.Met2021Val; replaces methionine 2021 with valine.
Molecular consequence: missense variant.
Genome position (GRCh38, 1-based): chr10:75,030,885, A>G. VCF-style: chr10-75030885-A-G. GRCh37 (hg19) VCF-style: chr10-76790643-A-G.
Other names: c.5512A>G, p.Met1838Val (NM_001256468.2, NM_001370138.1); c.5185A>G, p.Met1729Val (NM_001256469.2, NM_001370139.1, NM_001370140.1 and 2 more transcripts); c.5023A>G, p.Met1675Val (NM_001370132.1); c.4372A>G, p.Met1458Val (NM_001370133.1); c.3976A>G, p.Met1326Val (NM_001370134.1); c.3718A>G, p.Met1240Val (NM_001370135.1); c.6061A>G, p.Met2021Val (NM_001370136.1, NM_001370137.1); c.4996A>G, p.Met1666Val (NM_001370143.1, NM_001370144.1); short protein forms M1240V, M1326V, M1458V, M1666V, M1675V, M1729V, M1838V, M2021V.
Identifiers: ClinVar variation 1314841 (VCV001314841.3), dbSNP rs1477195408, ClinGen allele CA377302867.

ClinVar aggregate classification (germline): Uncertain significance. Review status: criteria provided, multiple submitters, no conflicts (2 of 4 stars). 2 submissions from 2 submitters: Uncertain significance (2). Last evaluated 2026-04-30.

Conditions:
KAT6B-related disorder. Also called: KAT6B-related disorders; KAT6B-related condition.

Allele frequency attached by ClinVar (database versions not stated): TOPMed below 0.00001.
gnomAD v4.1: 1 of 1,614,112 alleles (0.000062%); highest among the groups gnomAD compares: Non-Finnish European, 0.000085%; no homozygotes.

Submissions (2):

PreventionGenetics, part of Exact Sciences
Classification: Uncertain significance for KAT6B-related condition. Last evaluated: 2026-04-30. Review status: criteria provided, single submitter. Criteria: ACMG Guidelines, 2015. Collection method: clinical testing. Allele origin: germline.
Comment: The KAT6B c.6061A>G variant is predicted to result in the amino acid substitution p.Met2021Val. To our knowledge, this variant has not been reported in the literature or in a large population database (gnomAD), indicating this variant is rare. At this time, the clinical significance of this variant is uncertain due to the absence of conclusive functional and genetic evidence.

GeneDx
Classification: Uncertain significance. Last evaluated: 2021-04-09. Review status: criteria provided, single submitter. Criteria: GeneDx Variant Classification Process June 2021. Collection method: clinical testing. Allele origin: germline. Affected: yes.
Comment: Not observed in large population cohorts (Lek et al., 2016); In silico analysis supports that this missense variant has a deleterious effect on protein structure/function; Has not been previously published as pathogenic or benign to our knowledge